The following is an entry in ClinVar:

ClinVar aggregate classification (germline): Likely benign (1 of 4 stars; one submission).

Conditions:
ABCB4-related disorder. Also called: ABCB4-related disorders; ABCB4-related condition.

gnomAD v4.1: 2 of 1,614,094 alleles (0.00012%); highest among the groups gnomAD compares: Non-Finnish European, 0.000085%; no homozygotes.

Submission:

PreventionGenetics, part of Exact Sciences
Classification: Likely benign for ABCB4-related condition. Last evaluated: 2025-02-28. Review status: criteria provided, single submitter. Criteria: ACMG Guidelines, 2015. Collection method: clinical testing. Allele origin: germline.
Comment: This variant is classified as likely benign based on ACMG/AMP sequence variant interpretation guidelines (Richards et al. 2015 PMID: 25741868, with internal and published modifications).

NM_000443.4(ABCB4):c.3744G>C (p.Gly1248=)

Gene: ABCB4 (ATP binding cassette subfamily B member 4; minus strand). Cytogenetic location: 7q21.12.
Variant type: single nucleotide variant.
Coding change: c.3744G>C on transcript NM_000443.4 (MANE Select); coding-DNA position 3744, G replaced by C.
Protein change: p.Gly1248=; no amino-acid change (glycine 1248 retained).
Molecular consequence: synonymous variant.
Genome position (GRCh38, 1-based): chr7:87,402,192, C>G on the plus strand (G>C on the coding strand, the complement: ABCB4 is on the minus strand). VCF-style: chr7-87402192-C-G. GRCh37 (hg19) VCF-style: chr7-87031508-C-G.
Other names: c.3765G>C, p.Gly1255= (NM_018849.3); c.3603G>C, p.Gly1201= (NM_018850.3).
Identifiers: ClinVar variation 4990753 (VCV004990753.1).